The following is an entry in ClinVar:

ClinVar aggregate classification (germline): Uncertain significance (1 of 4 stars; one submission).

Submission:

Ambry Genetics
Classification: Uncertain significance. Last evaluated: 2021-11-22. Review status: criteria provided, single submitter. Criteria: Ambry Variant Classification Scheme 2023. Collection method: clinical testing. Allele origin: germline.
Comment: The p.L436M variant (also known as c.1306C>A), located in coding exon 7 of the GALNT12 gene, results from a C to A substitution at nucleotide position 1306. The leucine at codon 436 is replaced by methionine, an amino acid with highly similar properties. This amino acid position is conserved. In addition, this alteration is predicted to be tolerated by in silico analysis. Since supporting evidence is limited at this time, the clinical significance of this alteration remains unclear.

NM_024642.5(GALNT12):c.1306C>A (p.Leu436Met)

Gene: GALNT12 (polypeptide N-acetylgalactosaminyltransferase 12; plus strand). Cytogenetic location: 9q22.33.
Variant type: single nucleotide variant.
Coding change: c.1306C>A on transcript NM_024642.5 (MANE Select); coding-DNA position 1306, C replaced by A.
Protein change: p.Leu436Met; replaces leucine 436 with methionine.
Molecular consequence: missense variant.
Genome position (GRCh38, 1-based): chr9:98,840,095, C>A. VCF-style: chr9-98840095-C-A. GRCh37 (hg19) VCF-style: chr9-101602377-C-A.
Other names: short protein forms L436M.
Identifiers: ClinVar variation 1769522 (VCV001769522.2), dbSNP rs1297882734, ClinGen allele CA374221085.
Genomic context (GRCh38, chr9:98,840,095, plus strand): 5'-CTCCGGGACAAGCTCCAGTGTAAAGACTTCAAGTGGTTCTTGGAGACTGTGTATCCAGAA[C>A]TGCATGTGCCTGAGGACAGGCCTGGCTTCTTCGGGATGGTGAGTGAGGGTGGTGGGCCCA-3'
Protein context (NP_078918.3, residues 426-446): KWFLETVYPE[Leu436Met]HVPEDRPGFF